The following is an entry in ClinVar:

ClinVar aggregate classification (germline): Likely benign (0 of 4 stars; one submission).

Conditions:
SMAD7-related disorder. Also called: SMAD7-related condition.

Submission:

PreventionGenetics, part of Exact Sciences
Classification: Likely benign for SMAD7-related condition. Last evaluated: 2024-07-10. Review status: no assertion criteria provided. Collection method: clinical testing. Allele origin: germline.
Comment: This variant is classified as likely benign based on ACMG/AMP sequence variant interpretation guidelines (Richards et al. 2015 PMID: 25741868, with internal and published modifications).

NM_005904.4(SMAD7):c.614-8A>C

Gene: SMAD7 (SMAD family member 7; minus strand). Cytogenetic location: 18q21.1.
Variant type: single nucleotide variant.
Coding change: c.614-8A>C on transcript NM_005904.4 (MANE Select); 8 bases into the intron before coding-DNA position 614, A replaced by C.
Molecular consequence: intron variant.
Genome position (GRCh38, 1-based): chr18:48,948,445, T>G on the plus strand (A>C on the coding strand, the complement: SMAD7 is on the minus strand). VCF-style: chr18-48948445-T-G. GRCh37 (hg19) VCF-style: chr18-46474815-T-G.
Other names: c.614-8A>C (NM_001190821.2); c.-32-8A>C (NM_001190822.2).
Identifiers: ClinVar variation 3350989 (VCV003350989.1).
Genomic context (GRCh38, chr18:48,948,445, plus strand): 5'-AGTTGGTTTGAGAAAATCCATCGGGTATCTGGAGTAAGGAGGGGGGGGAGACTCTGAAAT[T>G]AAAAAAGCAAGAGAAAATAAAGGCCCAGCCATGAGAAGAGAGATAGAAACTTATGATAAC-3'